The following is an entry in ClinVar:

ClinVar aggregate classification (germline): Uncertain significance (1 of 4 stars; one submission).

Conditions:
Hereditary cancer-predisposing syndrome. Also called: Neoplastic Syndromes, Hereditary; Tumor predisposition; Hereditary neoplastic syndrome; Hereditary Cancer Syndrome. Identifiers: Orphanet 140162, MedGen C0027672, MeSH D009386, MONDO:0015356.

Submission:

Ambry Genetics
Classification: Uncertain significance for Hereditary cancer-predisposing syndrome. Last evaluated: 2026-07-06. Review status: criteria provided, single submitter. Criteria: Ambry Variant Classification Scheme 2023. Collection method: clinical testing. Allele origin: germline.
Comment: The p.N863S variant (also known as c.2588A>G), located in coding exon 16 of the CDH1 gene, results from an A to G substitution at nucleotide position 2588. The asparagine at codon 863 is replaced by serine, an amino acid with highly similar properties. This amino acid position is conserved. In addition, this alteration is predicted to be tolerated by in silico analysis. Based on the available evidence, the clinical significance of this variant remains unclear.

NM_004360.5(CDH1):c.2588A>G (p.Asn863Ser)

Gene: CDH1 (cadherin 1; plus strand). Cytogenetic location: 16q22.1.
Variant type: single nucleotide variant.
Coding change: c.2588A>G on transcript NM_004360.5 (MANE Select); coding-DNA position 2588, A replaced by G.
Protein change: p.Asn863Ser; replaces asparagine 863 with serine.
Molecular consequence: missense variant.
Genome position (GRCh38, 1-based): chr16:68,833,438, A>G. VCF-style: chr16-68833438-A-G. GRCh37 (hg19) VCF-style: chr16-68867341-A-G.
Other names: c.2405A>G, p.Asn802Ser (NM_001317184.2); c.1040A>G, p.Asn347Ser (NM_001317185.2); c.623A>G, p.Asn208Ser (NM_001317186.2); short protein forms N347S, N802S, N863S, N208S.
Identifiers: ClinVar variation 5033953 (VCV005033953.1).
Genomic context (GRCh38, chr16:68,833,438, plus strand): 5'-CTAGTCTGAGCTCCCTGAACTCCTCAGAGTCAGACAAAGACCAGGACTATGACTACTTGA[A>G]CGAATGGGGCAATCGCTTCAAGAAGCTGGCTGACATGTACGGAGGCGGCGAGGACGACTA-3'
Protein context (NP_004351.1, residues 853-873): SDKDQDYDYL[Asn863Ser]EWGNRFKKLA